The following is an entry in ClinVar:

ClinVar aggregate classification (germline): Pathogenic (1 of 4 stars; one submission).

Conditions:
Hereditary insensitivity to pain with anhidrosis (CIPA). Also called: hereditary sensory and autonomic neuropathy type 4; NEUROPATHY, CONGENITAL SENSORY, WITH ANHIDROSIS; NTRK1 Congenital Insensitivity to Pain with Anhidrosis; INSENSITIVITY TO PAIN, CONGENITAL, WITH ANHIDROSIS; HSAN Type IV; FAMILIAL DYSAUTONOMIA, TYPE II. Identifiers: Orphanet 642, MedGen C0020074, MONDO:0009746, OMIM 256800.

Submission:

Labcorp Genetics (formerly Invitae), Labcorp
Classification: Pathogenic for Hereditary insensitivity to pain with anhidrosis. Last evaluated: 2020-08-14. Review status: criteria provided, single submitter. Criteria: Invitae Variant Classification Sherloc (09022015). Collection method: clinical testing. Allele origin: germline.
Comment: For these reasons, this variant has been classified as Pathogenic. Loss-of-function variants in NTRK1 are known to be pathogenic (PMID: 10982191). This variant has not been reported in the literature in individuals with NTRK1-related conditions. This variant is not present in population databases (ExAC no frequency). This sequence change creates a premature translational stop signal (p.Gln77*) in the NTRK1 gene. It is expected to result in an absent or disrupted protein product.

Literature cited by the submitters: PubMed 10982191.

NM_002529.4(NTRK1):c.229C>T (p.Gln77Ter)

Gene: NTRK1 (neurotrophic receptor tyrosine kinase 1; plus strand). Cytogenetic location: 1q23.1.
Variant type: single nucleotide variant.
Coding change: c.229C>T on transcript NM_002529.4 (MANE Select); coding-DNA position 229, C replaced by T.
Protein change: p.Gln77Ter; replaces glutamine 77 with a stop codon.
Molecular consequence: nonsense.
Genome position (GRCh38, 1-based): chr1:156,864,370, C>T. VCF-style: chr1-156864370-C-T. GRCh37 (hg19) VCF-style: chr1-156834162-C-T.
Other names: c.139C>T, p.Gln47Ter (NM_001007792.1); c.229C>T, p.Gln77Ter (NM_001012331.2); short protein forms Q47*, Q77*.
Identifiers: ClinVar variation 1072190 (VCV001072190.7), dbSNP rs2102885187, ClinGen allele CA342931522.